The following is an entry in ClinVar:

ClinVar aggregate classification (germline): Conflicting classifications of pathogenicity. Review status: criteria provided, conflicting classifications (1 of 4 stars). 5 submissions from 5 submitters: Uncertain significance (1); Likely benign (4). Last evaluated 2026-01-19.

Conditions:
Intellectual developmental disorder, autosomal dominant 6, with or without seizures. Also called: GRIN2B-related developmental delay, intellectual disability and autism spectrum disorder; Intellectual disability, autosomal dominant 6. Identifiers: Orphanet 589547, MedGen C3151411, MONDO:0013509, OMIM 613970.
Developmental and epileptic encephalopathy, 27 (DEE27). Also called: Epileptic encephalopathy, early infantile, 27; GRIN2B-Related Neurodevelopmental Disorder. Identifiers: Orphanet 3451, MedGen C4015316, MONDO:0014505, OMIM 616139.

Allele frequency attached by ClinVar (database versions not stated): gnomAD 0.00003 and 0.00001; TOPMed 0.00002; gnomAD exomes 0.00011; ExAC 0.00012.
gnomAD v4.1: 115 of 1,614,104 alleles (0.0071%); highest among the groups gnomAD compares: South Asian, 0.091%; no homozygotes.

Submissions (5):

Labcorp Genetics (formerly Invitae), Labcorp
Classification: Likely benign for Developmental and epileptic encephalopathy, 27; Intellectual developmental disorder, autosomal dominant 6, with or without seizures. Last evaluated: 2026-01-19. Review status: criteria provided, single submitter. Criteria: Invitae Variant Classification Sherloc (09022015). Collection method: clinical testing. Allele origin: germline.

CeGaT Center for Human Genetics Tuebingen
Classification: Likely benign. Last evaluated: 2024-07-01. Review status: criteria provided, single submitter. Criteria: CeGaT Center For Human Genetics Tuebingen Variant Classification Criteria Version 2. Collection method: clinical testing. Allele origin: germline. Affected: yes. Observed: 7 variant alleles.
Comment: GRIN2B: BP4, BP7

GeneDx
Classification: Likely benign. Last evaluated: 2020-02-10. Review status: criteria provided, single submitter. Criteria: GeneDx Variant Classification Process June 2021. Collection method: clinical testing. Allele origin: germline. Affected: yes.

Genetic Services Laboratory, University of Chicago
Classification: Likely benign. Last evaluated: 2016-08-05. Review status: criteria provided, single submitter. Criteria: ACMG Guidelines, 2015. Collection method: clinical testing. Allele origin: germline. Affected: no.

Center for Genomics, Ann and Robert H. Lurie Children's Hospital of Chicago
Classification: Uncertain significance for Developmental and epileptic encephalopathy, 27; Intellectual developmental disorder, autosomal dominant 6, with or without seizures. Review status: criteria provided, single submitter. Criteria: ACMG Guidelines, 2015. Collection method: clinical testing. Allele origin: germline.
Comment: GRIN2B NM_000834.3 exon 13 p.Lys1327= (c.3981G>A): This variant has not been reported in the literature but is present in 18/30780 South Asian alleles in the Genome Aggregation Database. This variant is present in ClinVar (Variation ID:435382). Evolutionary conservation and computational predictive tools for this variant are limited or unavailable. Of note, this variant is a silent variant and does not change the amino acid, reducing the probability that this variant is disease causing. In summary, data on this variant is insufficient for disease classification. Therefore, the clinical significance of this variant is uncertain.

NM_000834.5(GRIN2B):c.3981G>A (p.Lys1327=)

Gene: GRIN2B (glutamate ionotropic receptor NMDA type subunit 2B; minus strand). Cytogenetic location: 12p13.1.
Variant type: single nucleotide variant.
Coding change: c.3981G>A on transcript NM_000834.5 (MANE Select); coding-DNA position 3981, G replaced by A.
Protein change: p.Lys1327=; no amino-acid change (lysine 1327 retained).
Molecular consequence: synonymous variant.
Genome position (GRCh38, 1-based): chr12:13,563,257, C>T on the plus strand (G>A on the coding strand, the complement: GRIN2B is on the minus strand). VCF-style: chr12-13563257-C-T. GRCh37 (hg19) VCF-style: chr12-13716191-C-T.
Identifiers: ClinVar variation 435382 (VCV000435382.62), dbSNP rs201670483, ClinGen allele CA6460809.